The following is an entry in ClinVar:

ClinVar aggregate classification (germline): Uncertain significance (1 of 4 stars; one submission).

gnomAD v4.1: 17 of 1,613,938 alleles (0.0011%); highest among the groups gnomAD compares: Non-Finnish European, 0.0014%; no homozygotes.

Submission:

Labcorp Genetics (formerly Invitae), Labcorp
Classification: Uncertain significance. Last evaluated: 2025-09-27. Review status: criteria provided, single submitter. Criteria: Invitae Variant Classification Sherloc (09022015). Collection method: clinical testing. Allele origin: germline.
Comment: This sequence change replaces aspartic acid, which is acidic and polar, with glutamic acid, which is acidic and polar, at codon 389 of the PLTP protein (p.Asp389Glu). This variant is not present in population databases (gnomAD no frequency). This variant has not been reported in the literature in individuals affected with PLTP-related conditions. An algorithm developed to predict the effect of missense changes on protein structure and function outputs the following: PolyPhen-2: "Benign". The glutamic acid amino acid residue is found in multiple mammalian species, which suggests that this missense change does not adversely affect protein function. In summary, the available evidence is currently insufficient to determine the role of this variant in disease. Therefore, it has been classified as a Variant of Uncertain Significance.

NM_006227.4(PLTP):c.1167C>A (p.Asp389Glu)

Gene: PLTP (phospholipid transfer protein; minus strand). Cytogenetic location: 20q13.12.
Variant type: single nucleotide variant.
Coding change: c.1167C>A on transcript NM_006227.4 (MANE Select); coding-DNA position 1167, C replaced by A.
Protein change: p.Asp389Glu; replaces aspartic acid 389 with glutamic acid.
Molecular consequence: missense variant.
Genome position (GRCh38, 1-based): chr20:45,902,275, G>T on the plus strand (C>A on the coding strand, the complement: PLTP is on the minus strand). VCF-style: chr20-45902275-G-T. GRCh37 (hg19) VCF-style: chr20-44530914-G-T.
Other names: c.882C>A, p.Asp294Glu (NM_001242920.2); c.903C>A, p.Asp301Glu (NM_001242921.1); c.1011C>A, p.Asp337Glu (NM_182676.3); short protein forms D294E, D301E, D337E, D389E.
Identifiers: ClinVar variation 4812066 (VCV004812066.1).